The following is an entry in ClinVar:

ClinVar aggregate classification (germline): Benign. Review status: criteria provided, multiple submitters, no conflicts (2 of 4 stars). 2 submissions from 2 submitters: Benign (2). Last evaluated 2018-06-19.

Allele frequency attached by ClinVar (database versions not stated): 1000 Genomes Project 0.30351; 1000 Genomes Project 30x 0.30512; TOPMed 0.33366; gnomAD 0.35123.
gnomAD v4.1: 52,398 of 152,000 alleles (34%); highest among the groups gnomAD compares: Middle Eastern, 53%; 9,278 homozygotes.

Submissions (2):

GeneDx
Classification: Benign. Last evaluated: 2018-06-19. Review status: criteria provided, single submitter. Criteria: GeneDx Variant Classification (06012015). Collection method: clinical testing. Allele origin: germline. Affected: yes.
Comment: This variant is considered likely benign or benign based on one or more of the following criteria: it is a conservative change, it occurs at a poorly conserved position in the protein, it is predicted to be benign by multiple in silico algorithms, and/or has population frequency not consistent with disease.

Breakthrough Genomics
Classification: Benign. Review status: criteria provided, single submitter. Criteria: ACMG Guidelines, 2015. Collection method: not provided. Allele origin: germline. Inheritance: Autosomal dominant inheritance. Affected: yes.

NM_058246.4(DNAJB6):c.899-252C>T

Gene: DNAJB6 (DnaJ heat shock protein family (Hsp40) member B6; plus strand). Cytogenetic location: 7q36.3.
Variant type: single nucleotide variant.
Coding change: c.899-252C>T on transcript NM_058246.4 (MANE Select); 252 bases into the intron before coding-DNA position 899, C replaced by T.
Molecular consequence: intron variant.
Genome position (GRCh38, 1-based): chr7:157,415,764, C>T. VCF-style: chr7-157415764-C-T. GRCh37 (hg19) VCF-style: chr7-157208458-C-T.
Other names: c.554-252C>T (NM_001363676.1).
Identifiers: ClinVar variation 668118 (VCV000668118.2), dbSNP rs34284464, ClinGen allele CA12491461.
Genomic context (GRCh38, chr7:157,415,764, plus strand): 5'-GCTTCTAGCTCTGCCGCTGGGCAGAACTGGGGTAGTCCCAGGGTGGGCTTTTAGCTCTGC[C>T]GCTGGGCGGAACTCGGGTAGGTGGGAGTCCTCACTTCTCTGCAGGGTGGTGAAGCTCTCT-3'